The following is an entry in ClinVar:

ClinVar aggregate classification (germline): Pathogenic. Review status: criteria provided, multiple submitters, no conflicts (2 of 4 stars). 3 submissions from 3 submitters: Pathogenic (3). Last evaluated 2025-05-01.

Conditions:
Wilson disease (WND). Also called: Wilson's disease. Identifiers: Orphanet 905, MedGen C0019202, MONDO:0010200, OMIM 277900. Disease mechanism: loss of function.

Allele frequency attached by ClinVar (database versions not stated): gnomAD exomes 0.00001.

Submissions (3):

Labcorp Genetics (formerly Invitae), Labcorp
Classification: Pathogenic for Wilson disease. Last evaluated: 2025-05-01. Review status: criteria provided, single submitter. Criteria: Invitae Variant Classification Sherloc (09022015). Collection method: clinical testing. Allele origin: germline.
Comment: This sequence change creates a premature translational stop signal (p.Lys35Asnfs*6) in the ATP7B gene. It is expected to result in an absent or disrupted protein product. Loss-of-function variants in ATP7B are known to be pathogenic (PMID: 10441329, 16283883). This variant is present in population databases (no rsID available, gnomAD no frequency). This variant has not been reported in the literature in individuals affected with ATP7B-related conditions. ClinVar contains an entry for this variant (Variation ID: 1456283). For these reasons, this variant has been classified as Pathogenic.

All of Us Research Program, National Institutes of Health
Classification: Pathogenic for Wilson disease. Last evaluated: 2024-03-24. Review status: criteria provided, single submitter. Criteria: ACMG Guidelines, 2015. Collection method: clinical testing. Allele origin: germline. Inheritance: Autosomal recessive inheritance. Observed: 1 variant allele, 1 heterozygote.
Comment: This variant inserts 1 nucleotide in exon 2/21 of the ATP7B gene, creating a frameshift and premature translation stop signal. This variant is expected to result in an absent or non-functional protein product. To our knowledge, this variant has not been reported in individuals affected with ATP7B-related disorders in the literature. This variant has been identified in 1/31410 chromosomes in the general population by the Genome Aggregation Database (gnomAD). Loss of ATP7B function is a known mechanism of disease. Based on the available evidence, this variant is classified as Pathogenic.

This study involves interpretation of variants in research participants for the purpose of population health screening. Participant phenotype was not available at the time of variant classification. Additional details can be found in publication PMID: 35346344, PMCID: PMC8962531

Color Diagnostics, LLC DBA Color Health
Classification: Pathogenic for Wilson disease. Last evaluated: 2024-03-11. Review status: criteria provided, single submitter. Criteria: ACMG Guidelines, 2015. Collection method: clinical testing. Allele origin: germline.
Comment: This variant inserts 1 nucleotide in exon 2/21 of the ATP7B gene, creating a frameshift and premature translation stop signal. This variant is expected to result in an absent or non-functional protein product. To our knowledge, this variant has not been reported in individuals affected with ATP7B-related disorders in the literature. This variant has been identified in 1/31410 chromosomes in the general population by the Genome Aggregation Database (gnomAD). Loss of ATP7B function is a known mechanism of disease. Based on the available evidence, this variant is classified as Pathogenic.

Literature cited by the submitters: PubMed 10441329 (cited by Labcorp Genetics (formerly Invitae), Labcorp); PubMed 16283883 (cited by Labcorp Genetics (formerly Invitae), Labcorp).

NM_000053.4(ATP7B):c.104_105insT (p.Lys35fs)

Gene: ATP7B (ATPase copper transporting beta; minus strand). Cytogenetic location: 13q14.3.
Variant type: Insertion.
Coding change: c.104_105insT on transcript NM_000053.4 (MANE Select); coding-DNA positions 104 to 105, T inserted.
Protein change: p.Lys35fs; shifts the reading frame from lysine 35.
Molecular consequence: frameshift variant.
Genome position: GRCh38 VCF-style: chr13-51975115-C-CA. GRCh37 (hg19) VCF-style: chr13-52549251-C-CA.
Other names: c.104_105insT, p.Lys35fs (NM_001005918.3, NM_001243182.2, NM_001330578.2 and 1 more transcripts); short protein forms K35fs.
Identifiers: ClinVar variation 1456283 (VCV001456283.10), dbSNP rs1316032472, ClinGen allele CA610425868.